The following is an entry in ClinVar:

NM_020461.4(TUBGCP6):c.2353C>T (p.His785Tyr)

Gene: TUBGCP6 (tubulin gamma complex component 6; minus strand). Cytogenetic location: 22q13.33.
Variant type: single nucleotide variant.
Coding change: c.2353C>T on transcript NM_020461.4 (MANE Select); coding-DNA position 2353, C replaced by T.
Protein change: p.His785Tyr; replaces histidine 785 with tyrosine.
Molecular consequence: missense variant.
Genome position (GRCh38, 1-based): chr22:50,222,510, G>A on the plus strand (C>T on the coding strand, the complement: TUBGCP6 is on the minus strand). VCF-style: chr22-50222510-G-A. GRCh37 (hg19) VCF-style: chr22-50660939-G-A.
Other names: short protein forms H785Y.
Identifiers: ClinVar variation 861233 (VCV000861233.9), dbSNP rs1327337684, ClinGen allele CA412099661.

ClinVar aggregate classification (germline): Uncertain significance. Review status: criteria provided, multiple submitters, no conflicts (2 of 4 stars). 2 submissions from 2 submitters: Uncertain significance (2). Last evaluated 2024-10-26.

Conditions:
Inborn genetic diseases. Identifiers: MedGen C0950123, MeSH D030342.

Allele frequency attached by ClinVar (database versions not stated): gnomAD exomes 0.00001; gnomAD 0.00003 and 0.00004; TOPMed 0.00003.
gnomAD v4.1: 12 of 1,613,700 alleles (0.00074%); highest among the groups gnomAD compares: African/African-American, 0.011%; no homozygotes.

Submissions (2):

Labcorp Genetics (formerly Invitae), Labcorp
Classification: Uncertain significance. Last evaluated: 2024-10-26. Review status: criteria provided, single submitter. Criteria: Invitae Variant Classification Sherloc (09022015). Collection method: clinical testing. Allele origin: germline.
Comment: This sequence change replaces histidine, which is basic and polar, with tyrosine, which is neutral and polar, at codon 785 of the TUBGCP6 protein (p.His785Tyr). This variant is present in population databases (no rsID available, gnomAD 0.02%). This variant has not been reported in the literature in individuals affected with TUBGCP6-related conditions. ClinVar contains an entry for this variant (Variation ID: 861233). An algorithm developed to predict the effect of missense changes on protein structure and function (PolyPhen-2) suggests that this variant is likely to be disruptive. In summary, the available evidence is currently insufficient to determine the role of this variant in disease. Therefore, it has been classified as a Variant of Uncertain Significance.

Ambry Genetics
Classification: Uncertain significance for Inborn genetic diseases. Last evaluated: 2024-08-27. Review status: criteria provided, single submitter. Criteria: Ambry Variant Classification Scheme 2023. Collection method: clinical testing. Allele origin: germline.